The following is an entry in ClinVar:

ClinVar aggregate classification (germline): Conflicting classifications of pathogenicity. Review status: criteria provided, conflicting classifications (1 of 4 stars). 2 submissions from 2 submitters: Uncertain significance (1); Likely benign (1). Last evaluated 2025-11-03.

Conditions:
Inborn genetic diseases. Identifiers: MedGen C0950123, MeSH D030342.

Submissions (2):

Labcorp Genetics (formerly Invitae), Labcorp
Classification: Uncertain significance. Last evaluated: 2025-11-03. Review status: criteria provided, single submitter. Criteria: Invitae Variant Classification Sherloc (09022015). Collection method: clinical testing. Allele origin: germline.
Comment: This sequence change affects codon 449 of the MBD4 mRNA. It is a 'silent' change, meaning that it does not change the encoded amino acid sequence of the MBD4 protein. This variant is present in population databases (rs778144837, gnomAD 0.004%). This variant has not been reported in the literature in individuals affected with MBD4-related conditions. ClinVar contains an entry for this variant (Variation ID: 3681359). Algorithms developed to predict the effect of sequence changes on RNA splicing suggest that this variant may disrupt the consensus splice site. In summary, the available evidence is currently insufficient to determine the role of this variant in disease. Therefore, it has been classified as a Variant of Uncertain Significance.

Ambry Genetics
Classification: Likely benign for Inborn genetic diseases. Last evaluated: 2025-02-12. Review status: criteria provided, single submitter. Criteria: Ambry Variant Classification Scheme 2023. Collection method: clinical testing. Allele origin: germline.

NM_001276270.2(MBD4):c.1329A>G (p.Gln443=)

Gene: MBD4 (methyl-CpG binding domain 4, DNA glycosylase; minus strand). Cytogenetic location: 3q21.3.
Variant type: single nucleotide variant.
Coding change: c.1329A>G on transcript NM_001276270.2 (MANE Select); coding-DNA position 1329, A replaced by G.
Protein change: p.Gln443=; no amino-acid change (glutamine 443 retained).
Molecular consequence: synonymous variant.
Genome position (GRCh38, 1-based): chr3:129,433,914, T>C on the plus strand (A>G on the coding strand, the complement: MBD4 is on the minus strand). VCF-style: chr3-129433914-T-C. GRCh37 (hg19) VCF-style: chr3-129152757-T-C.
Other names: c.1347A>G, p.Gln449= (NM_003925.3, NM_001276271.2, NM_001276272.2); c.393A>G, p.Gln131= (NM_001276273.2).
Identifiers: ClinVar variation 3681359 (VCV003681359.3).